The following is an entry in ClinVar:

ClinVar aggregate classification (germline): Likely benign. Review status: criteria provided, multiple submitters, no conflicts (2 of 4 stars). 2 submissions from 2 submitters: Likely benign (2). Last evaluated 2024-03-04.

Allele frequency attached by ClinVar (database versions not stated): gnomAD exomes 0.00001; ExAC 0.00005; TOPMed 0.00009; gnomAD 0.00010; ESP Exome Variant Server 0.00031.
gnomAD v4.1: 32 of 1,613,026 alleles (0.002%); highest among the groups gnomAD compares: African/African-American, 0.035%; no homozygotes.

Submissions (2):

Labcorp Genetics (formerly Invitae), Labcorp
Classification: Likely benign. Last evaluated: 2024-03-04. Review status: criteria provided, single submitter. Criteria: Invitae Variant Classification Sherloc (09022015). Collection method: clinical testing. Allele origin: germline.

CeGaT Center for Human Genetics Tuebingen
Classification: Likely benign. Last evaluated: 2022-07-01. Review status: criteria provided, single submitter. Criteria: CeGaT Center For Human Genetics Tuebingen Variant Classification Criteria Version 2. Collection method: clinical testing. Allele origin: germline. Affected: yes. Observed: 1 variant allele.
Comment: NDUFS1: BP4, BP7

NM_005006.7(NDUFS1):c.1416A>G (p.Pro472=)

Gene: NDUFS1 (NADH:ubiquinone oxidoreductase core subunit S1; minus strand). Cytogenetic location: 2q33.3.
Variant type: single nucleotide variant.
Coding change: c.1416A>G on transcript NM_005006.7 (MANE Select); coding-DNA position 1416, A replaced by G.
Protein change: p.Pro472=; no amino-acid change (proline 472 retained).
Molecular consequence: synonymous variant.
Genome position (GRCh38, 1-based): chr2:206,133,082, T>C on the plus strand (A>G on the coding strand, the complement: NDUFS1 is on the minus strand). VCF-style: chr2-206133082-T-C. GRCh37 (hg19) VCF-style: chr2-206997806-T-C.
Other names: c.1308A>G, p.Pro436= (NM_001199981.2); c.1083A>G, p.Pro361= (NM_001199982.2); c.1245A>G, p.Pro415= (NM_001199983.2); c.1458A>G, p.Pro486= (NM_001199984.2).
Identifiers: ClinVar variation 2189855 (VCV002189855.28), dbSNP rs139893194, ClinGen allele CA2070441.
Genomic context (GRCh38, chr2:206,133,082, plus strand): 5'-AGCTGCAAGAATTGCTGCTCCATCATTTCTTTGGAGTGCAGAACTGCCTAAAACCACCAT[T>C]GGTTTTTTAGCTTCCTTTAGGACCTATTTAAAAAAAAAAACAACTTTGATTTTAAAATAT-3'
Protein context (NP_004997.4, residues 462-482): FSQVLKEAKK[Pro472=]MVVLGSSALQ